The following is an entry in ClinVar:

ClinVar aggregate classification (germline): Uncertain significance. Review status: criteria provided, multiple submitters, no conflicts (2 of 4 stars). 2 submissions from 2 submitters: Uncertain significance (2). Last evaluated 2024-08-04.

Conditions:
Inborn genetic diseases. Identifiers: MedGen C0950123, MeSH D030342.
Hereditary spastic paraplegia 11. Also called: Spastic paraplegia, mental retardation and thin corpus callosum; Nakamura Osame syndrome; Autosomal recessive hereditary spastic paraplegia, mental impairment, and thin corpus callosum; SPASTIC PARAPLEGIA, AUTOSOMAL RECESSIVE, COMPLICATED, WITH THIN CORPUS CALLOSUM; SPASTIC PARAPLEGIA, AUTOSOMAL RECESSIVE, WITH MENTAL IMPAIRMENT AND THIN CORPUS CALLOSUM; Spastic Paraplegia 11. Identifiers: Orphanet 2822, MedGen C1858479, MONDO:0011445, OMIM 604360.

gnomAD v4.1: 1 of 1,614,012 alleles (0.000062%); highest among the groups gnomAD compares: Admixed American, 0.0017%; no homozygotes.

Submissions (2):

Ambry Genetics
Classification: Uncertain significance for Inborn genetic diseases. Last evaluated: 2024-08-04. Review status: criteria provided, single submitter. Criteria: Ambry Variant Classification Scheme 2023. Collection method: clinical testing. Allele origin: germline.

Labcorp Genetics (formerly Invitae), Labcorp
Classification: Uncertain significance for Hereditary spastic paraplegia 11. Last evaluated: 2019-09-15. Review status: criteria provided, single submitter. Criteria: Invitae Variant Classification Sherloc (09022015). Collection method: clinical testing. Allele origin: germline.
Comment: In summary, the available evidence is currently insufficient to determine the role of this variant in disease. Therefore, it has been classified as a Variant of Uncertain Significance. Algorithms developed to predict the effect of missense changes on protein structure and function are either unavailable or do not agree on the potential impact of this missense change (SIFT: "Tolerated"; PolyPhen-2: "Probably Damaging"; Align-GVGD: "Class C0"). This variant has not been reported in the literature in individuals with SPG11-related conditions. This variant is not present in population databases (ExAC no frequency). This sequence change replaces phenylalanine with leucine at codon 1374 of the SPG11 protein (p.Phe1374Leu). The phenylalanine residue is highly conserved and there is a small physicochemical difference between phenylalanine and leucine.

NM_025137.4(SPG11):c.4122C>G (p.Phe1374Leu)

Gene: SPG11 (SPG11 vesicle trafficking associated, spatacsin; minus strand). Cytogenetic location: 15q21.1.
Variant type: single nucleotide variant.
Coding change: c.4122C>G on transcript NM_025137.4 (MANE Select); coding-DNA position 4122, C replaced by G.
Protein change: p.Phe1374Leu; replaces phenylalanine 1374 with leucine.
Molecular consequence: missense variant.
Genome position (GRCh38, 1-based): chr15:44,596,823, G>C on the plus strand (C>G on the coding strand, the complement: SPG11 is on the minus strand). VCF-style: chr15-44596823-G-C. GRCh37 (hg19) VCF-style: chr15-44889021-G-C.
Other names: c.4122C>G, p.Phe1374Leu (NM_001160227.2); short protein forms F1374L.
Identifiers: ClinVar variation 934239 (VCV000934239.9), dbSNP rs1194478318, ClinGen allele CA392228914.